The following is an entry in ClinVar:

NM_052947.4(ALPK2):c.1829A>G (p.Gln610Arg)

Gene: ALPK2 (alpha kinase 2; minus strand). Cytogenetic location: 18q21.31.
Variant type: single nucleotide variant.
Coding change: c.1829A>G on transcript NM_052947.4 (MANE Select); coding-DNA position 1829, A replaced by G.
Protein change: p.Gln610Arg; replaces glutamine 610 with arginine.
Molecular consequence: missense variant.
Genome position (GRCh38, 1-based): chr18:58,578,947, T>C on the plus strand (A>G on the coding strand, the complement: ALPK2 is on the minus strand). VCF-style: chr18-58578947-T-C. GRCh37 (hg19) VCF-style: chr18-56246179-T-C.
Other names: short protein forms Q610R.
Identifiers: ClinVar variation 3228590 (VCV003228590.1), dbSNP rs1227997011, ClinGen allele CA402559935.

ClinVar aggregate classification (germline): Uncertain significance (1 of 4 stars; one submission).

Allele frequency attached by ClinVar (database versions not stated): gnomAD exomes below 0.00001; TOPMed below 0.00001; gnomAD 0.00001.
gnomAD v4.1: 2 of 1,614,122 alleles (0.00012%); highest among the groups gnomAD compares: Admixed American, 0.0017%; no homozygotes.

Submission:

Ambry Genetics
Classification: Uncertain significance. Last evaluated: 2023-12-24. Review status: criteria provided, single submitter. Criteria: Ambry Variant Classification Scheme 2023. Collection method: clinical testing. Allele origin: germline.
Comment: The p.Q610R variant (also known as c.1829A>G), located in coding exon 3 of the ALPK2 gene, results from an A to G substitution at nucleotide position 1829. The glutamine at codon 610 is replaced by arginine, an amino acid with highly similar properties. This amino acid position is conserved. In addition, this alteration is predicted to be tolerated by in silico analysis. Since supporting evidence is limited at this time, the clinical significance of this alteration remains unclear.